The following is an entry in ClinVar:

ClinVar aggregate classification (germline): Uncertain significance (1 of 4 stars; one submission).

Submission:

GeneDx
Classification: Uncertain significance. Last evaluated: 2026-10-12. Review status: criteria provided, single submitter. Criteria: GeneDx Variant Classification Process June 2021. Collection method: clinical testing. Allele origin: germline.
Comment: Not observed at significant frequency in large population cohorts (gnomAD); In-frame duplication of 1 amino acid(s) in a non-repeat region; Has not been previously published as pathogenic or benign to our knowledge

NM_005862.3(STAG1):c.3109AGG[3] (p.Arg1038_Glu1039insArg)

Gene: STAG1 (STAG1 cohesin complex component; minus strand). Cytogenetic location: 3q22.3.
Variant type: Microsatellite.
Coding change: c.3109AGG[3] on transcript NM_005862.3 (MANE Select); three copies in a row of the 3-base unit AGG starting at c.3109; the reference has two copies in a row; one copy, 3 bases duplicated.
Protein change: p.Arg1038_Glu1039insArg.
Molecular consequence: inframe insertion.
Genome position (GRCh38, 1-based): chr3:136,349,315-136,349,317, CCT duplicated on the plus strand (AGG on the coding strand, the reverse complement: STAG1 is on the minus strand); duplicating any 3 consecutive bases within chr3:136,349,315-136,349,320 gives the same sequence; the position shown is the placement nearest the transcript's 3' end. VCF-style (leftmost placement, unchanged base first): chr3-136349314-C-CCCT. GRCh37 (hg19) VCF-style: chr3-136068156-C-CCCT.
Identifiers: ClinVar variation 1712563 (VCV001712563.4), dbSNP rs2530051030, ClinGen allele CA2580615978.